The following is an entry in ClinVar:

NM_025099.6(CTC1):c.3083C>T (p.Ser1028Phe)

Gene: CTC1 (CST telomere replication complex component 1; minus strand). Cytogenetic location: 17p13.1.
Variant type: single nucleotide variant.
Coding change: c.3083C>T on transcript NM_025099.6 (MANE Select); coding-DNA position 3083, C replaced by T.
Protein change: p.Ser1028Phe; replaces serine 1028 with phenylalanine.
Molecular consequence: missense variant. On other transcripts: non-coding transcript variant (1).
Genome position (GRCh38, 1-based): chr17:8,229,375, G>A on the plus strand (C>T on the coding strand, the complement: CTC1 is on the minus strand). VCF-style: chr17-8229375-G-A. GRCh37 (hg19) VCF-style: chr17-8132693-G-A.
Other names: short protein forms S1028F.
Identifiers: ClinVar variation 1010563 (VCV001010563.6), dbSNP rs779906449, ClinGen allele CA8371887.

ClinVar aggregate classification (germline): Uncertain significance (1 of 4 stars; one submission).

Conditions:
Dyskeratosis congenita. Identifiers: Orphanet 1775, MedGen C0265965, MONDO:0015780.

Allele frequency attached by ClinVar (database versions not stated): TOPMed below 0.00001; gnomAD exomes 0.00005 and 0.00011; ExAC 0.00007; gnomAD 0.00011 and 0.00013.
gnomAD v4.1: 95 of 1,614,102 alleles (0.0059%); highest among the groups gnomAD compares: Non-Finnish European, 0.00042%; no homozygotes.

Submission:

Labcorp Genetics (formerly Invitae), Labcorp
Classification: Uncertain significance for Dyskeratosis congenita. Last evaluated: 2021-08-27. Review status: criteria provided, single submitter. Criteria: Invitae Variant Classification Sherloc (09022015). Collection method: clinical testing. Allele origin: germline.
Comment: This sequence change replaces serine with phenylalanine at codon 1028 of the CTC1 protein (p.Ser1028Phe). The serine residue is highly conserved and there is a large physicochemical difference between serine and phenylalanine. This variant is present in population databases (rs779906449, ExAC 0.1%). This variant has not been reported in the literature in individuals affected with CTC1-related conditions. Algorithms developed to predict the effect of missense changes on protein structure and function are either unavailable or do not agree on the potential impact of this missense change (SIFT: "Deleterious"; PolyPhen-2: "Probably Damaging"; Align-GVGD: "Class C0"). In summary, the available evidence is currently insufficient to determine the role of this variant in disease. Therefore, it has been classified as a Variant of Uncertain Significance.